The following is an entry in ClinVar:

ClinVar aggregate classification (germline): Uncertain significance (1 of 4 stars; one submission).

Conditions:
Hereditary cancer-predisposing syndrome. Also called: Neoplastic Syndromes, Hereditary; Tumor predisposition; Hereditary Cancer Syndrome; Hereditary neoplastic syndrome. Identifiers: Orphanet 140162, MedGen C0027672, MeSH D009386, MONDO:0015356.
Cardiovascular phenotype. Identifiers: MedGen CN230736.

Submission:

Ambry Genetics
Classification: Uncertain significance for Cardiovascular phenotype; Hereditary cancer-predisposing syndrome. Last evaluated: 2022-05-17. Review status: criteria provided, single submitter. Criteria: Ambry Variant Classification Scheme 2023. Collection method: clinical testing. Allele origin: germline.
Comment: The c.3870+3T>A intronic variant results from a T to A substitution 3 nucleotides after coding exon 28 in the NF1 gene. This nucleotide position is not well conserved in available vertebrate species. In silico splice site analysis predicts that this alteration will not have any significant effect on splicing. Since supporting evidence is limited at this time, the clinical significance of this alteration remains unclear.

NM_001042492.3(NF1):c.3870+3T>A

Gene: NF1 (neurofibromin 1; plus strand). Cytogenetic location: 17q11.2.
Variant type: single nucleotide variant.
Coding change: c.3870+3T>A on transcript NM_001042492.3 (MANE Select); 3 bases into the intron after coding-DNA position 3870, T replaced by A.
Molecular consequence: intron variant.
Genome position (GRCh38, 1-based): chr17:31,235,775, T>A. VCF-style: chr17-31235775-T-A. GRCh37 (hg19) VCF-style: chr17-29562793-T-A.
Other names: c.3870+3T>A (NM_000267.4).
Identifiers: ClinVar variation 1735698 (VCV001735698.2), dbSNP rs2151438083, ClinGen allele CA2580093103.
Genomic context (GRCh38, chr17:31,235,775, plus strand): 5'-GCAGACTCTCTTCCGAGGCAACAGCTTGGCCAGTAAAATAATGACATTCTGTTTCAAGGT[T>A]TGTATCATTCATTTTGTGTGTATGTGTGTGCTGAGGTATGTCAAGTAATGATTATGTACA-3'